The following is an entry in ClinVar:

ClinVar aggregate classification (germline): Uncertain significance. Review status: criteria provided, multiple submitters, no conflicts (2 of 4 stars). 2 submissions from 2 submitters: Uncertain significance (2). Last evaluated 2024-03-21.

Conditions:
Cardiovascular phenotype. Identifiers: MedGen CN230736.
Catecholaminergic polymorphic ventricular tachycardia 1. Also called: VENTRICULAR TACHYCARDIA, CATECHOLAMINERGIC POLYMORPHIC, 1, WITH OR WITHOUT ATRIAL DYSFUNCTION AND/OR DILATED CARDIOMYOPATHY; RYR2-Related Catecholaminergic Polymorphic Ventricular Tachycardia; VENTRICULAR TACHYCARDIA, STRESS-INDUCED POLYMORPHIC 1. Identifiers: Orphanet 3286, MedGen C1631597, MONDO:0011484, OMIM 604772.

Allele frequency attached by ClinVar (database versions not stated): gnomAD exomes below 0.00001; gnomAD 0.00001; TOPMed 0.00001; ExAC 0.00005; ESP Exome Variant Server 0.00010.
gnomAD v4.1: 2 of 1,294,088 alleles (0.00015%); highest among the groups gnomAD compares: African/African-American, 0.0015%; no homozygotes.

Submissions (2):

Ambry Genetics
Classification: Uncertain significance for Cardiovascular phenotype. Last evaluated: 2024-03-21. Review status: criteria provided, single submitter. Criteria: Ambry Variant Classification Scheme 2023. Collection method: clinical testing. Allele origin: germline.
Comment: The p.Q515R variant (also known as c.1544A>G), located in coding exon 26 of the TRDN gene, results from an A to G substitution at nucleotide position 1544. The glutamine at codon 515 is replaced by arginine, an amino acid with highly similar properties. This amino acid position is conserved. In addition, this alteration is predicted to be tolerated by in silico analysis. Based on the available evidence, the clinical significance of this alteration remains unclear.

Labcorp Genetics (formerly Invitae), Labcorp
Classification: Uncertain significance for Catecholaminergic polymorphic ventricular tachycardia 1. Last evaluated: 2022-01-11. Review status: criteria provided, single submitter. Criteria: Invitae Variant Classification Sherloc (09022015). Collection method: clinical testing. Allele origin: germline.
Comment: This sequence change replaces glutamine, which is neutral and polar, with arginine, which is basic and polar, at codon 515 of the TRDN protein (p.Gln515Arg). The frequency data for this variant in the population databases is considered unreliable, as metrics indicate poor data quality at this position in the gnomAD database. This variant has not been reported in the literature in individuals affected with TRDN-related conditions. Algorithms developed to predict the effect of missense changes on protein structure and function are either unavailable or do not agree on the potential impact of this missense change (SIFT: "Tolerated"; PolyPhen-2: "Probably Damaging"; Align-GVGD: "Class C0"). In summary, the available evidence is currently insufficient to determine the role of this variant in disease. Therefore, it has been classified as a Variant of Uncertain Significance.

NM_006073.4(TRDN):c.1544A>G (p.Gln515Arg)

Gene: TRDN (triadin; minus strand). Cytogenetic location: 6q22.31.
Variant type: single nucleotide variant.
Coding change: c.1544A>G on transcript NM_006073.4 (MANE Select); coding-DNA position 1544, A replaced by G.
Protein change: p.Gln515Arg; replaces glutamine 515 with arginine.
Molecular consequence: missense variant.
Genome position (GRCh38, 1-based): chr6:123,278,341, T>C on the plus strand (A>G on the coding strand, the complement: TRDN is on the minus strand). VCF-style: chr6-123278341-T-C. GRCh37 (hg19) VCF-style: chr6-123599486-T-C.
Other names: c.1544A>G (NM_006073.2); short protein forms Q515R.
Identifiers: ClinVar variation 2189671 (VCV002189671.2), dbSNP rs368908577, ClinGen allele CA3983871.